The following is an entry in ClinVar:

ClinVar aggregate classification (germline): Uncertain significance (1 of 4 stars; one submission).

Submission:

Illumina Laboratory Services, Illumina
Classification: Uncertain significance. Last evaluated: 2022-09-29. Review status: criteria provided, single submitter. Criteria: ICSL CNVClassificationCriteria Aug2020. Collection method: clinical testing. Allele origin: unknown. Affected: yes.
Comment: The NARS2 c.275T>C (p.Val92Ala) missense variant results in the substitution of valine at amino acid position 92 with alanine. To our knowledge, this variant has not been reported in the peer-reviewed literature. This variant is not found in version 2.1.1 or version 3.1.2 of the Genome Aggregation Database. The c.275T>C variant lies within the anti-codon domain of the protein. Based on the available evidence, the c.275T>C (p.Val92Ala) variant is classified as a variant of uncertain significance for primary mitochondrial disease.

NM_024678.6(NARS2):c.275T>C (p.Val92Ala)

Gene: NARS2 (asparaginyl-tRNA synthetase 2, mitochondrial; minus strand). Cytogenetic location: 11q14.1.
Variant type: single nucleotide variant.
Coding change: c.275T>C on transcript NM_024678.6 (MANE Select); coding-DNA position 275, T replaced by C.
Protein change: p.Val92Ala; replaces valine 92 with alanine.
Molecular consequence: missense variant. On other transcripts: 5 prime UTR variant (1).
Genome position (GRCh38, 1-based): chr11:78,568,729, A>G on the plus strand (T>C on the coding strand, the complement: NARS2 is on the minus strand). VCF-style: chr11-78568729-A-G. GRCh37 (hg19) VCF-style: chr11-78279775-A-G.
Other names: c.-407T>C (NM_001243251.2); short protein forms V92A.
Identifiers: ClinVar variation 2429402 (VCV002429402.3), dbSNP rs2497156275, ClinGen allele CA382180314.